The following is an entry in ClinVar:

ClinVar aggregate classification (germline): Uncertain significance (1 of 4 stars; one submission).

Submission:

Labcorp Genetics (formerly Invitae), Labcorp
Classification: Uncertain significance. Last evaluated: 2025-09-05. Review status: criteria provided, single submitter. Criteria: Invitae Variant Classification Sherloc (09022015). Collection method: clinical testing. Allele origin: germline.
Comment: This sequence change replaces glutamic acid, which is acidic and polar, with glutamine, which is neutral and polar, at codon 250 of the CCER2 protein (p.Glu250Gln). This variant is not present in population databases (gnomAD no frequency). This variant has not been reported in the literature in individuals affected with CCER2-related conditions. An algorithm developed to predict the effect of missense changes on protein structure and function outputs the following: PolyPhen-2: "Possibly Damaging". The glutamine amino acid residue is found in multiple mammalian species, which suggests that this missense change does not adversely affect protein function. In summary, the available evidence is currently insufficient to determine the role of this variant in disease. Therefore, it has been classified as a Variant of Uncertain Significance.

NM_001243212.2(CCER2):c.748G>C (p.Glu250Gln)

Gene: CCER2 (coiled-coil glutamate rich protein 2; minus strand). Cytogenetic location: 19q13.2.
Variant type: single nucleotide variant.
Coding change: c.748G>C on transcript NM_001243212.2 (MANE Select); coding-DNA position 748, G replaced by C.
Protein change: p.Glu250Gln; replaces glutamic acid 250 with glutamine.
Molecular consequence: missense variant.
Genome position (GRCh38, 1-based): chr19:38,909,289, C>G on the plus strand (G>C on the coding strand, the complement: CCER2 is on the minus strand). VCF-style: chr19-38909289-C-G. GRCh37 (hg19) VCF-style: chr19-39399929-C-G.
Other names: short protein forms E250Q.
Identifiers: ClinVar variation 4726304 (VCV004726304.1).